The following is an entry in ClinVar:

ClinVar aggregate classification (germline): Uncertain significance (1 of 4 stars; one submission).

Conditions:
Inborn genetic diseases. Identifiers: MedGen C0950123, MeSH D030342.

gnomAD v4.1: 2 of 1,614,102 alleles (0.00012%); highest among the groups gnomAD compares: Non-Finnish European, 0.00017%; no homozygotes.

Submission:

Ambry Genetics
Classification: Uncertain significance for Inborn genetic diseases. Last evaluated: 2024-08-28. Review status: criteria provided, single submitter. Criteria: Ambry Variant Classification Scheme 2023. Collection method: clinical testing. Allele origin: germline.
Comment: The p.T450I variant (also known as c.1349C>T), located in coding exon 12 of the AKT1 gene, results from a C to T substitution at nucleotide position 1349. The threonine at codon 450 is replaced by isoleucine, an amino acid with similar properties. This amino acid position is conserved. In addition, the in silico prediction for this alteration is inconclusive. Based on the available evidence, the clinical significance of this variant remains unclear.

NM_001382430.1(AKT1):c.1349C>T (p.Thr450Ile)

Gene: AKT1 (AKT serine/threonine kinase 1; minus strand). Cytogenetic location: 14q32.33.
Variant type: single nucleotide variant.
Coding change: c.1349C>T on transcript NM_001382430.1 (MANE Select); coding-DNA position 1349, C replaced by T.
Protein change: p.Thr450Ile; replaces threonine 450 with isoleucine.
Molecular consequence: missense variant.
Genome position (GRCh38, 1-based): chr14:104,770,759, G>A on the plus strand (C>T on the coding strand, the complement: AKT1 is on the minus strand). VCF-style: chr14-104770759-G-A. GRCh37 (hg19) VCF-style: chr14-105237096-G-A.
Other names: c.1349C>T, p.Thr450Ile (NM_001014431.2, NM_001014432.2, NM_001382431.1 and 3 more transcripts); short protein forms T450I.
Identifiers: ClinVar variation 3518986 (VCV003518986.1).